The following is an entry in ClinVar:

NM_001267550.2(TTN):c.82895_82896del (p.Thr27632fs)

Genes: TTN-AS1 (TTN antisense RNA 1; plus strand), TTN (titin; minus strand). Cytogenetic location: 2q31.2.
Variant type: Microsatellite.
Coding change: c.82895_82896del on transcript NM_001267550.2 (MANE Select); coding-DNA positions 82895 to 82896, 2 bases deleted (CA; older notation c.82895_82896delCA).
Protein change: p.Thr27632fs; shifts the reading frame from threonine 27632.
Molecular consequence: frameshift variant.
Genome position (GRCh38, 1-based): chr2:178,563,236-178,563,237, TG deleted on the plus strand (CA on the coding strand, the reverse complement: TTN is on the minus strand); deleting any 2 consecutive bases within chr2:178,563,236-178,563,239 gives the same sequence; the c. name uses the placement nearest the transcript's 3' end. VCF-style (leftmost placement, unchanged base first): chr2-178563235-CTG-C. GRCh37 (hg19) VCF-style: chr2-179427962-CTG-C.
Other names: c.77972_77973del, p.Thr25991fs (NM_001256850.1); c.55700_55701del, p.Thr18567fs (NM_003319.4); c.75191_75192del, p.Thr25064fs (NM_133378.4); c.56075_56076del, p.Thr18692fs (NM_133432.3); c.56276_56277del, p.Thr18759fs (NM_133437.4); c.77972_77973delCA (NM_001256850.1); c.82895_82896del (NM_001267550.1); short protein forms T18692fs, T18567fs, T25064fs, T18759fs, T25991fs, T27632fs.
Identifiers: ClinVar variation 423555 (VCV000423555.14), dbSNP rs796267411, ClinGen allele CA16617343.

ClinVar aggregate classification (germline): Likely pathogenic. Review status: criteria provided, multiple submitters, no conflicts (2 of 4 stars). 4 submissions from 4 submitters: Likely pathogenic (2). 2 of the submissions do not count toward it. Last evaluated 2025-02-10.

Conditions:
Dilated cardiomyopathy 1G (CMD1G). Identifiers: Orphanet 154, MedGen C1858763, MONDO:0011400, OMIM 604145.
Autosomal recessive limb-girdle muscular dystrophy type 2J (LGMDR10). Also called: MUSCULAR DYSTROPHY, LIMB-GIRDLE, AUTOSOMAL RECESSIVE 10; Limb-girdle muscular dystrophy, type 2J. Identifiers: Orphanet 140922, MedGen C1837342, MONDO:0012127, OMIM 608807.

Submissions (4):

GeneDx
Classification: Likely pathogenic. Last evaluated: 2025-02-10. Review status: criteria provided, single submitter. Criteria: GeneDx Variant Classification Process June 2021. Collection method: clinical testing. Allele origin: germline. Affected: yes.
Comment: Frameshift variant predicted to result in protein truncation or nonsense mediated decay in a gene for which loss of function is a known mechanism of disease; Identified in patients with dilated cardiomyopathy in published literature, although detailed clinical information was not provided; also described as c.82895_82896delCA and c.75191_75192del (PMID: 27813223, 30847666); Not observed at significant frequency in large population cohorts (gnomAD); This variant is associated with the following publications: (PMID: 30847666, 27813223, 22335739, 32778822)

Labcorp Genetics (formerly Invitae), Labcorp
Classification: Likely pathogenic for Dilated cardiomyopathy 1G; Autosomal recessive limb-girdle muscular dystrophy type 2J. Last evaluated: 2021-12-27. Review status: criteria provided, single submitter. Criteria: Invitae Variant Classification Sherloc (09022015). Collection method: clinical testing. Allele origin: germline.
Comment: In summary, the currently available evidence indicates that the variant is pathogenic, but additional data are needed to prove that conclusively. Therefore, this variant has been classified as Likely Pathogenic. This variant is located in the A band of TTN (PMID: 25589632). Truncating variants in this region are significantly overrepresented in patients affected with dilated cardiomyopathy (PMID: 25589632). Truncating variants in this region have also been reported in individuals affected with autosomal recessive centronuclear myopathy (PMID: 23975875). ClinVar contains an entry for this variant (Variation ID: 423555). This variant is also known as c.75191_75192del (p.Thr25064Serfs*5). This premature translational stop signal has been observed in individual(s) with dilated cardiomyopathy (PMID: 27813223, 30847666). This variant is not present in population databases (gnomAD no frequency). This sequence change creates a premature translational stop signal (p.Thr27632Serfs*5) in the TTN gene. While this is not anticipated to result in nonsense mediated decay, it is expected to create a truncated TTN protein.

Clinical Genetics, Academic Medical Center
Classification: Likely pathogenic. Review status: no assertion criteria provided. Collection method: clinical testing. Allele origin: germline. Affected: yes. Study: VKGL Data-share Consensus. Not counted in ClinVar's aggregate classification.

Diagnostic Laboratory, Department of Genetics, University Medical Center Groningen
Classification: Likely pathogenic. Review status: no assertion criteria provided. Collection method: clinical testing. Allele origin: germline. Affected: yes. Study: VKGL Data-share Consensus. Not counted in ClinVar's aggregate classification.

Literature cited by the submitters: PubMed 25589632 (cited by Labcorp Genetics (formerly Invitae), Labcorp); PubMed 23975875 (cited by Labcorp Genetics (formerly Invitae), Labcorp); PubMed 27813223 (cited by Labcorp Genetics (formerly Invitae), Labcorp); PubMed 30847666 (cited by Labcorp Genetics (formerly Invitae), Labcorp).